The following is an entry in ClinVar:

NM_004006.3(DMD):c.976G>T (p.Glu326Ter)

Gene: DMD (dystrophin; minus strand). Cytogenetic location: Xp21.1.
Variant type: single nucleotide variant.
Coding change: c.976G>T on transcript NM_004006.3 (MANE Select); coding-DNA position 976, G replaced by T.
Protein change: p.Glu326Ter; replaces glutamic acid 326 with a stop codon.
Molecular consequence: nonsense.
Genome position (GRCh38, 1-based): chrX:32,645,137, C>A on the plus strand (G>T on the coding strand, the complement: DMD is on the minus strand). VCF-style: chrX-32645137-C-A. GRCh37 (hg19) VCF-style: chrX-32663254-C-A.
Other names: c.952G>T, p.Glu318Ter (NM_000109.4); c.964G>T, p.Glu322Ter (NM_004009.3); c.607G>T, p.Glu203Ter (NM_004010.3); short protein forms E322*, E203*, E318*, E326*.
Identifiers: ClinVar variation 936169 (VCV000936169.8), dbSNP rs2059702093, ClinGen allele CA412662385.
Genomic context (GRCh38, chrX:32,645,137, plus strand): 5'-TTTGATAACGGTCCAGGTTTACTTCACTCTCCATCAATGAACTGCCAAATGACTTGTCTT[C>A]AGGAGCTTCCAAATGCTGCACAATAAAATAAATTGGGTGTTACACAATTAATGTCTTTGC-3'

ClinVar aggregate classification (germline): Pathogenic (1 of 4 stars; one submission).

Conditions:
Duchenne muscular dystrophy (DMD). Also called: Duchenne Muscular Dystrophy (DMD); MUSCULAR DYSTROPHY, PSEUDOHYPERTROPHIC PROGRESSIVE, DUCHENNE TYPE. Identifiers: Orphanet 98896, MedGen C0013264, MONDO:0010679, OMIM 310200.

Submission:

Labcorp Genetics (formerly Invitae), Labcorp
Classification: Pathogenic for Duchenne muscular dystrophy. Last evaluated: 2019-06-07. Review status: criteria provided, single submitter. Criteria: Invitae Variant Classification Sherloc (09022015). Collection method: clinical testing. Allele origin: germline.
Comment: For these reasons, this variant has been classified as Pathogenic. Loss-of-function variants in DMD are known to be pathogenic (PMID: 16770791, 25007885). This variant has not been reported in the literature in individuals with DMD-related conditions. This variant has been reported in individual(s) in the Universal Mutation Database (PMID: 10612827). This variant is not present in population databases (ExAC no frequency). This sequence change creates a premature translational stop signal (p.Glu326*) in the DMD gene. It is expected to result in an absent or disrupted protein product.

Literature cited by the submitters: PubMed 16770791; PubMed 25007885; PubMed 10612827.